The following is an entry in ClinVar:

NM_017791.3(FLVCR2):c.998G>A (p.Arg333His)

Gene: FLVCR2 (FLVCR choline and putative heme transporter 2; plus strand). Cytogenetic location: 14q24.3.
Variant type: single nucleotide variant.
Coding change: c.998G>A on transcript NM_017791.3 (MANE Select); coding-DNA position 998, G replaced by A.
Protein change: p.Arg333His; replaces arginine 333 with histidine.
Molecular consequence: missense variant.
Genome position (GRCh38, 1-based): chr14:75,633,674, G>A. VCF-style: chr14-75633674-G-A. GRCh37 (hg19) VCF-style: chr14-76100017-G-A.
Other names: c.383G>A, p.Arg128His (NM_001195283.2); short protein forms R333H, R128H.
Identifiers: ClinVar variation 191048 (VCV000191048.8), dbSNP rs757778790, ClinGen allele CA235910.

ClinVar aggregate classification (germline): Conflicting classifications of pathogenicity. Review status: criteria provided, conflicting classifications (1 of 4 stars). 3 submissions from 3 submitters: Likely pathogenic (2); Uncertain significance (1). Last evaluated 2025-10-09.

Conditions:
Posterior column ataxia-retinitis pigmentosa syndrome (RETSNS). Also called: RETINOPATHY-SENSORY NEUROPATHY SYNDROME. Identifiers: Orphanet 88628, MedGen C1836916, MONDO:0012177, OMIM 609033.

Allele frequency attached by ClinVar (database versions not stated): ExAC 0.00002; TOPMed 0.00007.
gnomAD v4.1: 64 of 1,613,664 alleles (0.004%); highest among the groups gnomAD compares: Non-Finnish European, 0.005%; no homozygotes.

Submissions (3):

GeneDx
Classification: Likely pathogenic. Last evaluated: 2025-10-09. Review status: criteria provided, single submitter. Criteria: GeneDx Variant Classification Process June 2021. Collection method: clinical testing. Allele origin: germline. Affected: yes.
Comment: Observed with a second FLVCR2 variant in a patient with neuropathy; however, specific patient information is not available (PMID: 27124789); Not observed at significant frequency in large population cohorts (gnomAD); In silico analysis supports that this missense variant has a deleterious effect on protein structure/function; This variant is associated with the following publications: (PMID: 31589614, 27124789)

Illumina Laboratory Services, Illumina
Classification: Uncertain significance for Posterior column ataxia-retinitis pigmentosa syndrome. Last evaluated: 2018-01-13. Review status: criteria provided, single submitter. Criteria: ICSL Variant Classification Criteria 13 December 2019. Collection method: clinical testing. Allele origin: germline.

Genomic Medicine Center of Excellence, King Faisal Specialist Hospital and Research Centre
Classification: Likely pathogenic. Review status: criteria provided, single submitter. Criteria: ACMG Guidelines, 2015. Collection method: research. Allele origin: germline. Affected: yes.